The following is an entry in ClinVar:

NM_052859.4(RFT1):c.1102+4C>A

Gene: RFT1 (RFT1 glycolipid translocator homolog; minus strand). Cytogenetic location: 3p21.1.
Variant type: single nucleotide variant.
Coding change: c.1102+4C>A on transcript NM_052859.4 (MANE Select); 4 bases into the intron after coding-DNA position 1102, C replaced by A.
Molecular consequence: intron variant.
Genome position (GRCh38, 1-based): chr3:53,103,949, G>T on the plus strand (C>A on the coding strand, the complement: RFT1 is on the minus strand). VCF-style: chr3-53103949-G-T. GRCh37 (hg19) VCF-style: chr3-53137965-G-T.
Identifiers: ClinVar variation 1413131 (VCV001413131.4), dbSNP rs150695725, ClinGen allele CA74831410.
Genomic context (GRCh38, chr3:53,103,949, plus strand): 5'-ATTTCGTGACTCTTCTATTTATGTTGGGAAATCAGAAAAAATCCAGAAAAACTCTTGTGC[G>T]TACCGGATCCTGAGCTAAGCATGGTCCCTCCGTAGATATCCAGAGCCAGCTGAGAATAGG-3'

ClinVar aggregate classification (germline): Uncertain significance (1 of 4 stars; one submission).

Conditions:
RFT1-congenital disorder of glycosylation (CDG1N). Also called: Congenital disorder of glycosylation type In; RFT1-CDG; CDG In. Identifiers: Orphanet 244310, MedGen C2677590, MONDO:0012783, OMIM 612015.

gnomAD v4.1: 10 of 1,614,044 alleles (0.00062%); highest among the groups gnomAD compares: African/African-American, 0.0027%; no homozygotes.

Submission:

Labcorp Genetics (formerly Invitae), Labcorp
Classification: Uncertain significance for RFT1-congenital disorder of glycosylation. Last evaluated: 2024-11-11. Review status: criteria provided, single submitter. Criteria: Invitae Variant Classification Sherloc (09022015). Collection method: clinical testing. Allele origin: germline.
Comment: This sequence change falls in intron 10 of the RFT1 gene. It does not directly change the encoded amino acid sequence of the RFT1 protein. It affects a nucleotide within the consensus splice site. This variant is present in population databases (no rsID available, gnomAD 0.01%). This variant has not been reported in the literature in individuals affected with RFT1-related conditions. ClinVar contains an entry for this variant (Variation ID: 1413131). Variants that disrupt the consensus splice site are a relatively common cause of aberrant splicing (PMID: 17576681, 9536098). Algorithms developed to predict the effect of sequence changes on RNA splicing suggest that this variant is not likely to affect RNA splicing. In summary, the available evidence is currently insufficient to determine the role of this variant in disease. Therefore, it has been classified as a Variant of Uncertain Significance.

Literature cited by the submitters: PubMed 17576681; PubMed 9536098.